The following is an entry in ClinVar:

ClinVar aggregate classification (germline): Uncertain significance (1 of 4 stars; one submission).

Conditions:
DICER1-related tumor predisposition. Also called: DICER1 syndrome; DICER1-related pleuropulmonary blastoma cancer predisposition syndrome. Identifiers: Orphanet 284343, MedGen C3839822, MONDO:0100216.

Submission:

Labcorp Genetics (formerly Invitae), Labcorp
Classification: Uncertain significance for DICER1-related tumor predisposition. Last evaluated: 2019-09-19. Review status: criteria provided, single submitter. Criteria: Invitae Variant Classification Sherloc (09022015). Collection method: clinical testing. Allele origin: germline.
Comment: In summary, the available evidence is currently insufficient to determine the role of this variant in disease. Therefore, it has been classified as a Variant of Uncertain Significance. Algorithms developed to predict the effect of sequence changes on RNA splicing suggest that this variant may create or strengthen a splice site, but this prediction has not been confirmed by published transcriptional studies. Algorithms developed to predict the effect of missense changes on protein structure and function output the following: SIFT: "Tolerated"; PolyPhen-2: "Benign"; Align-GVGD: "Class C0". The serine amino acid residue is found in multiple mammalian species, suggesting that this missense change does not adversely affect protein function. These predictions have not been confirmed by published functional studies and their clinical significance is uncertain. This variant has not been reported in the literature in individuals with DICER1-related conditions. This variant is not present in population databases (ExAC no frequency). This sequence change replaces threonine with serine at codon 1597 of the DICER1 protein (p.Thr1597Ser). The threonine residue is moderately conserved and there is a small physicochemical difference between threonine and serine.

NM_177438.3(DICER1):c.4789A>T (p.Thr1597Ser)

Gene: DICER1 (dicer 1, ribonuclease III; minus strand). Cytogenetic location: 14q32.13.
Variant type: single nucleotide variant.
Coding change: c.4789A>T on transcript NM_177438.3 (MANE Select); coding-DNA position 4789, A replaced by T.
Protein change: p.Thr1597Ser; replaces threonine 1597 with serine.
Molecular consequence: missense variant.
Genome position (GRCh38, 1-based): chr14:95,096,131, T>A on the plus strand (A>T on the coding strand, the complement: DICER1 is on the minus strand). VCF-style: chr14-95096131-T-A. GRCh37 (hg19) VCF-style: chr14-95562468-T-A.
Other names: c.4789A>T, p.Thr1597Ser (NM_001195573.1, NM_001271282.3, NM_001291628.2 and 1 more transcripts); short protein forms T1597S.
Identifiers: ClinVar variation 936800 (VCV000936800.11), dbSNP rs1890305348, ClinGen allele CA390867166.